The following is an entry in ClinVar:

NM_000038.6(APC):c.4997C>G (p.Pro1666Arg)

Gene: APC (APC regulator of Wnt signaling pathway; plus strand). Cytogenetic location: 5q22.2.
Variant type: single nucleotide variant.
Coding change: c.4997C>G on transcript NM_000038.6 (MANE Select); coding-DNA position 4997, C replaced by G.
Protein change: p.Pro1666Arg; replaces proline 1666 with arginine.
Molecular consequence: missense variant.
Genome position (GRCh38, 1-based): chr5:112,840,591, C>G. VCF-style: chr5-112840591-C-G. GRCh37 (hg19) VCF-style: chr5-112176288-C-G.
Other names: c.4997C>G, p.Pro1666Arg (NM_001127510.3, NM_001354895.2); c.4943C>G, p.Pro1648Arg (NM_001127511.3); c.5051C>G, p.Pro1684Arg (NM_001354896.2); c.5027C>G, p.Pro1676Arg (NM_001354897.2); c.4922C>G, p.Pro1641Arg (NM_001354898.2); c.4913C>G, p.Pro1638Arg (NM_001354899.2); c.4874C>G, p.Pro1625Arg (NM_001354900.2); c.4820C>G, p.Pro1607Arg (NM_001354901.2); and 5 more; short protein forms P1666R, P1648R, P1383R, P1575R, P1607R, P1641R, P1638R, P1506R.
Identifiers: ClinVar variation 482472 (VCV000482472.57), dbSNP rs764731359, ClinGen allele CA040334.

ClinVar aggregate classification (germline): Uncertain significance. Review status: criteria provided, multiple submitters, no conflicts (2 of 4 stars). 4 submissions from 4 submitters: Uncertain significance (4). Last evaluated 2025-12-15.

Conditions:
Hereditary cancer-predisposing syndrome. Also called: Neoplastic Syndromes, Hereditary; Tumor predisposition; Hereditary Cancer Syndrome; Hereditary neoplastic syndrome. Identifiers: Orphanet 140162, MedGen C0027672, MeSH D009386, MONDO:0015356.
Familial adenomatous polyposis 1 (FAP1). Also called: FAMILIAL ADENOMATOUS POLYPOSIS 1, ATTENUATED; POLYPOSIS, ADENOMATOUS INTESTINAL. Identifiers: MedGen C2713442, MONDO:0021056, OMIM 175100. Disease mechanism: loss of function.
Classic or attenuated familial adenomatous polyposis. Identifiers: MedGen CN372698, MONDO:0021057.

Allele frequency attached by ClinVar (database versions not stated): gnomAD exomes below 0.00001; ExAC 0.00001.
gnomAD v4.1: 1 of 1,614,094 alleles (0.000062%); highest among the groups gnomAD compares: Non-Finnish European, 0.000085%; no homozygotes.

Submissions (4):

Labcorp Genetics (formerly Invitae), Labcorp
Classification: Uncertain significance for Familial adenomatous polyposis 1. Last evaluated: 2025-12-15. Review status: criteria provided, single submitter. Criteria: Invitae Variant Classification Sherloc (09022015). Collection method: clinical testing. Allele origin: germline.
Comment: This sequence change replaces proline, which is neutral and non-polar, with arginine, which is basic and polar, at codon 1666 of the APC protein (p.Pro1666Arg). This variant is present in population databases (rs764731359, gnomAD 0.0009%). This variant has not been reported in the literature in individuals affected with APC-related conditions. ClinVar contains an entry for this variant (Variation ID: 482472). Invitae Evidence Modeling of protein sequence and biophysical properties (such as structural, functional, and spatial information, amino acid conservation, physicochemical variation, residue mobility, and thermodynamic stability) indicates that this missense variant is not expected to disrupt APC protein function with a negative predictive value of 95%. In summary, the available evidence is currently insufficient to determine the role of this variant in disease. Therefore, it has been classified as a Variant of Uncertain Significance.

Ambry Genetics
Classification: Uncertain significance for Hereditary cancer-predisposing syndrome. Last evaluated: 2025-05-10. Review status: criteria provided, single submitter. Criteria: Ambry Variant Classification Scheme 2023. Collection method: clinical testing. Allele origin: germline.
Comment: The p.P1666R variant (also known as c.4997C>G), located in coding exon 15 of the APC gene, results from a C to G substitution at nucleotide position 4997. The proline at codon 1666 is replaced by arginine, an amino acid with dissimilar properties. This amino acid position is highly conserved in available vertebrate species. In addition, in silico predictors for this gene do not accurately predict pathogenicity. Since supporting evidence is limited at this time, the clinical significance of this alteration remains unclear.

All of Us Research Program, National Institutes of Health
Classification: Uncertain significance for Classic or attenuated familial adenomatous polyposis. Last evaluated: 2023-11-20. Review status: criteria provided, single submitter. Criteria: ACMG Guidelines, 2015. Collection method: clinical testing. Allele origin: germline. Inheritance: Autosomal dominant inheritance. Observed: 1 variant allele, 1 heterozygote.
Comment: This missense variant replaces proline with arginine at codon 1666 of the APC protein. Computational prediction is inconclusive regarding the impact of this variant on protein structure and function (internally defined REVEL score threshold 0.5 < inconclusive < 0.7, PMID: 27666373). To our knowledge, functional studies have not been reported for this variant. This variant has been reported in an individual affected with thyroid cancer (PMID: 29684080). This variant has been identified in 1/250338 chromosomes in the general population by the Genome Aggregation Database (gnomAD). The available evidence is insufficient to determine the role of this variant in disease conclusively. Therefore, this variant is classified as a Variant of Uncertain Significance.

This study involves interpretation of variants in research participants for the purpose of population health screening. Participant phenotype was not available at the time of variant classification. Additional details can be found in publication PMID: 35346344, PMCID: PMC8962531

Color Diagnostics, LLC DBA Color Health
Classification: Uncertain significance for Hereditary cancer-predisposing syndrome. Last evaluated: 2023-11-02. Review status: criteria provided, single submitter. Criteria: ACMG Guidelines, 2015. Collection method: clinical testing. Allele origin: germline.
Comment: This missense variant replaces proline with arginine at codon 1666 of the APC protein. Computational prediction is inconclusive regarding the impact of this variant on protein structure and function (internally defined REVEL score threshold 0.5 < inconclusive < 0.7, PMID: 27666373). To our knowledge, functional studies have not been reported for this variant. This variant has been reported in an individual affected with thyroid cancer (PMID: 29684080). This variant has been identified in 1/250338 chromosomes in the general population by the Genome Aggregation Database (gnomAD). The available evidence is insufficient to determine the role of this variant in disease conclusively. Therefore, this variant is classified as a Variant of Uncertain Significance.

Literature cited by the submitters: PubMed 29684080 (cited by All of Us Research Program, National Institutes of Health and Color Diagnostics, LLC DBA Color Health).